The following is an entry in ClinVar:

ClinVar aggregate classification (germline): Uncertain significance. Review status: criteria provided, multiple submitters, no conflicts (2 of 4 stars). 2 submissions from 2 submitters: Uncertain significance (2). Last evaluated 2025-03-18.

Conditions:
Renal coloboma syndrome (PAPRS). Also called: OPTIC COLOBOMA, VESICOURETERAL REFLUX, AND RENAL ANOMALIES; OPTIC NERVE COLOBOMA WITH RENAL DISEASE; RENAL-COLOBOMA SYNDROME WITH MACULAR ABNORMALITIES; COLOBOMA OF OPTIC NERVE WITH RENAL DISEASE; PAPILLORENAL SYNDROME WITH MILD OCULAR ABNORMALITIES; CONGENITAL ANOMALIES OF THE KIDNEY AND URINARY TRACT WITH OR WITHOUT OCULAR ABNORMALITIES. Identifiers: Orphanet 1475, MedGen C1852759, MONDO:0007352, OMIM 120330.
Focal segmental glomerulosclerosis 7 (FSGS7). Identifiers: Orphanet 656, MedGen C4014925, MONDO:0014451, OMIM 616002.

Allele frequency attached by ClinVar (database versions not stated): ExAC 0.00001; gnomAD 0.00001; TOPMed 0.00001.
gnomAD v4.1: 22 of 1,614,090 alleles (0.0014%); highest among the groups gnomAD compares: Non-Finnish European, 0.0018%; no homozygotes.

Submissions (2):

Labcorp Genetics (formerly Invitae), Labcorp
Classification: Uncertain significance for Renal coloboma syndrome; Focal segmental glomerulosclerosis 7. Last evaluated: 2025-03-18. Review status: criteria provided, single submitter. Criteria: Invitae Variant Classification Sherloc (09022015). Collection method: clinical testing. Allele origin: germline.
Comment: This sequence change replaces arginine, which is basic and polar, with glutamine, which is neutral and polar, at codon 117 of the PAX2 protein (p.Arg117Gln). This variant is present in population databases (rs773306707, gnomAD 0.002%). This variant has not been reported in the literature in individuals affected with PAX2-related conditions. ClinVar contains an entry for this variant (Variation ID: 2152617). An algorithm developed to predict the effect of missense changes on protein structure and function (PolyPhen-2) suggests that this variant is likely to be disruptive. In summary, the available evidence is currently insufficient to determine the role of this variant in disease. Therefore, it has been classified as a Variant of Uncertain Significance.

Blueprint Genetics
Classification: Uncertain significance. Last evaluated: 2020-03-17. Review status: criteria provided, single submitter. Criteria: ACMG Guidelines, 2015. Collection method: clinical testing. Allele origin: germline.

NM_000278.5(PAX2):c.350G>A (p.Arg117Gln)

Gene: PAX2 (paired box 2; plus strand). Cytogenetic location: 10q24.31.
Variant type: single nucleotide variant.
Coding change: c.350G>A on transcript NM_000278.5 (MANE Select); coding-DNA position 350, G replaced by A.
Protein change: p.Arg117Gln; replaces arginine 117 with glutamine.
Molecular consequence: missense variant.
Genome position (GRCh38, 1-based): chr10:100,750,831, G>A. VCF-style: chr10-100750831-G-A. GRCh37 (hg19) VCF-style: chr10-102510588-G-A.
Other names: c.443G>A, p.Arg148Gln (NM_001304569.2); c.350G>A, p.Arg117Gln (NM_003987.5, NM_003988.5, NM_003989.5 and 1 more transcripts); short protein forms R117Q, R148Q.
Identifiers: ClinVar variation 2152617 (VCV002152617.5), dbSNP rs773306707, ClinGen allele CA5650702.
Genomic context (GRCh38, chr10:100,750,831, plus strand): 5'-ACAAGATTGCTGAATACAAACGACAGAACCCGACTATGTTCGCCTGGGAGATTCGAGACC[G>A]GCTCCTGGCCGAGGGCATCTGTGACAATGACACAGTGCCCAGCGTCTCTTCCATCAACAG-3'
Protein context (NP_000269.3, residues 107-127): PTMFAWEIRD[Arg117Gln]LLAEGICDND